The following is an entry in ClinVar:

NM_014165.4(NDUFAF4):c.*1062T>G

Gene: NDUFAF4 (NADH:ubiquinone oxidoreductase complex assembly factor 4; minus strand). Cytogenetic location: 6q16.1.
Variant type: single nucleotide variant.
Coding change: c.*1062T>G on transcript NM_014165.4 (MANE Select); 1062 bases downstream of the stop codon, T replaced by G.
Molecular consequence: 3 prime UTR variant.
Genome position (GRCh38, 1-based): chr6:96,890,042, A>C on the plus strand (T>G on the coding strand, the complement: NDUFAF4 is on the minus strand). VCF-style: chr6-96890042-A-C. GRCh37 (hg19) VCF-style: chr6-97337918-A-C.
Identifiers: ClinVar variation 358256 (VCV000358256.5), dbSNP rs76370016, ClinGen allele CA10624874.

ClinVar aggregate classification (germline): Likely benign (1 of 4 stars; one submission).

Conditions:
Mitochondrial complex I deficiency, nuclear type 1. Also called: NADH-COENZYME Q REDUCTASE DEFICIENCY; MITOCHONDRIAL NADH DEHYDROGENASE COMPONENT OF COMPLEX I, DEFICIENCY OF. Identifiers: MedGen C6022305, MONDO:0100224, OMIM 252010.

Allele frequency attached by ClinVar (database versions not stated): 1000 Genomes Project 0.01977; 1000 Genomes Project 30x 0.02092; gnomAD 0.02131 and 0.02302; TOPMed 0.02336.

Submission:

Illumina Laboratory Services, Illumina
Classification: Likely benign for Mitochondrial complex I deficiency, nuclear type 1. Last evaluated: 2018-01-13. Review status: criteria provided, single submitter. Criteria: ICSL Variant Classification Criteria 13 December 2019. Collection method: clinical testing. Allele origin: germline.
Comment: This variant was observed in the ICSL laboratory as part of a predisposition screen in an ostensibly healthy population. It had not been previously curated by ICSL or reported in the Human Gene Mutation Database (HGMD: prior to June 1st, 2018), and was therefore a candidate for classification through an automated scoring system. Utilizing variant allele frequency, disease prevalence and penetrance estimates, and inheritance mode, an automated score was calculated to assess if this variant is too frequent to cause the disease. Based on the score and internal cut-off values, a variant classified as likely benign is not then subjected to further curation. The score for this variant resulted in a classification of likely benign for this disease.